The following is an entry in ClinVar:

ClinVar aggregate classification (germline): Uncertain significance. Review status: reviewed by expert panel (3 of 4 stars). 3 submissions from 3 submitters: Uncertain significance (1). 2 of the submissions do not count toward it. Last evaluated 2025-03-13.

Conditions:
Creatine transporter deficiency (CCDS1). Also called: Creatine Transporter (CRTR) Deficiency; Mental retardation , X-linked with seizures, short stature and midface hypoplasia; Mental retardation , X-linked, with creatine transport deficiency; X-linked creatine transporter deficiency; X-linked creatine deficiency syndrome; SLC6A8-Related Creatine Transporter Deficiency. Identifiers: Orphanet 52503, MedGen C1845862, MONDO:0010305, OMIM 300352.

Allele frequency attached by ClinVar (database versions not stated): gnomAD 0.00001; TOPMed 0.00001; ExAC 0.00002.
gnomAD v4.1: 13 of 1,209,175 alleles (0.0011%); highest among the groups gnomAD compares: East Asian, 0.003%; no homozygotes.

Submissions (3):

ClinGen Cerebral Creatine Deficiency Syndromes Variant Curation Expert Panel, ClinGen
Classification: Uncertain significance for Creatine transporter deficiency. Last evaluated: 2025-03-13. Review status: reviewed by expert panel. Criteria: ClinGen_CCDS_ACMG_Specifications_SLC6A8_v1.1. Collection method: curation. Allele origin: germline. Inheritance: X-linked inheritance.
Comment: The NM_005629.4:c.1650C>G variant in SLC6A8 is a synonymous (silent) variant (p.Thr550=). To our knowledge, this variant has not been reported in the literature and no functional studies are available. In gnomAD v4.1.0., the highest population minor allele frequency (MAF) is 0.00002961 (1/33771 alleles) in the East Asian population. This MAF is greater than the ClinGen CCDS VCEP’s threshold for PM2_Supporting (<0.00002) but less than the ClinGen CCDS VCEP’s threshold for BS1 (>0.0002), such that neither of these criteria are met. There are 4 hemizygotes across all populations in gnomAD v4.1.0 (3 in the European non-Finnish population, and one in the remaining population) (BS2). The in silico predictor, SpliceAI, predicts gain of a donor splice site one nucleotide upstream (-1); the score is 0.70 (PP3). No RT-PCR studies are available to investigate this prediction. Due to the predicted impact on splicing, although this is a synonymous variant, BP7 is not met. There is a ClinVar entry for this variant (Variation ID: 1139929). In summary, this variant meets criteria to be classified as a variant of uncertain significance for creatine transporter deficiency. SLC6A8-specific ACMG/AMP criteria applied, as specified by the ClinGen CCDS VCEP (Specifications Version 1.1.0): BS2, PP3 (Classification approved by the ClinGen Cerebral Creatine Deficiency Syndromes Variant Curation Expert Panel on March 13, 2025)

Labcorp Genetics (formerly Invitae), Labcorp
Classification: Likely benign for Creatine transporter deficiency. Last evaluated: 2024-08-19. Review status: criteria provided, single submitter. Criteria: Invitae Variant Classification Sherloc (09022015). Collection method: clinical testing. Allele origin: germline. Not counted in ClinVar's aggregate classification.

CeGaT Center for Human Genetics Tuebingen
Classification: Uncertain significance. Last evaluated: 2021-12-01. Review status: criteria provided, single submitter. Criteria: CeGaT Center For Human Genetics Tuebingen Variant Classification Criteria Version 2. Collection method: clinical testing. Allele origin: germline. Affected: yes. Observed: 1 variant allele. Not counted in ClinVar's aggregate classification.

NM_005629.4(SLC6A8):c.1650C>G (p.Thr550=)

Gene: SLC6A8 (solute carrier family 6 member 8; plus strand). Cytogenetic location: Xq28.
Variant type: single nucleotide variant.
Coding change: c.1650C>G on transcript NM_005629.4 (MANE Select); coding-DNA position 1650, C replaced by G.
Protein change: p.Thr550=; no amino-acid change (threonine 550 retained).
Molecular consequence: synonymous variant.
Genome position (GRCh38, 1-based): chrX:153,694,772, C>G. VCF-style: chrX-153694772-C-G. GRCh37 (hg19) VCF-style: chrX-152960227-C-G.
Other names: NM_005629.4(SLC6A8):c.1650C>G; p.Thr550=; c.1620C>G, p.Thr540= (NM_001142805.2); c.1305C>G, p.Thr435= (NM_001142806.1).
Identifiers: ClinVar variation 1139929 (VCV001139929.43), dbSNP rs781811330, ClinGen allele CA10549611.